The following is an entry in ClinVar:

ClinVar aggregate classification (germline): Uncertain significance. Review status: criteria provided, multiple submitters, no conflicts (2 of 4 stars). 2 submissions from 2 submitters: Uncertain significance (2). Last evaluated 2024-06-13.

Submissions (2):

GeneDx
Classification: Uncertain significance. Last evaluated: 2024-06-13. Review status: criteria provided, single submitter. Criteria: GeneDx Variant Classification Process June 2021. Collection method: clinical testing. Allele origin: germline. Affected: yes.
Comment: Not observed at significant frequency in large population cohorts (gnomAD); In silico analysis indicates that this missense variant does not alter protein structure/function; Has not been previously published as pathogenic or benign to our knowledge

Blueprint Genetics
Classification: Uncertain significance. Last evaluated: 2023-09-15. Review status: criteria provided, single submitter. Criteria: ACMG Guidelines, 2015. Collection method: clinical testing. Allele origin: germline.

NM_001257180.2(SLC20A2):c.608C>T (p.Ala203Val)

Gene: SLC20A2 (solute carrier family 20 member 2; minus strand). Cytogenetic location: 8p11.21.
Variant type: single nucleotide variant.
Coding change: c.608C>T on transcript NM_001257180.2 (MANE Select); coding-DNA position 608, C replaced by T.
Protein change: p.Ala203Val; replaces alanine 203 with valine.
Molecular consequence: missense variant.
Genome position (GRCh38, 1-based): chr8:42,459,901, G>A on the plus strand (C>T on the coding strand, the complement: SLC20A2 is on the minus strand). VCF-style: chr8-42459901-G-A. GRCh37 (hg19) VCF-style: chr8-42317419-G-A.
Other names: c.608C>T, p.Ala203Val (NM_001257181.2, NM_006749.5); short protein forms A203V.
Identifiers: ClinVar variation 3390456 (VCV003390456.2).
Genomic context (GRCh38, chr8:42,459,901, plus strand): 5'-ACTGTTAGAATACAATGCACTTTGCCCCTGGAGTATGCTTCCAAGGGATCCTTACCTGGT[G>A]CTCCTGTGTACATGATGGAAAAGACATTGATTGCTATGGTAGCAGCATAGAATACTGGGA-3'
Protein context (NP_001244109.1, residues 193-213): INVFSIMYTG[Ala203Val]PVLGLVLPMW